The following is an entry in ClinVar:

ClinVar aggregate classification (germline): Uncertain significance (1 of 4 stars; one submission).

Submission:

Labcorp Genetics (formerly Invitae), Labcorp
Classification: Uncertain significance. Last evaluated: 2024-05-29. Review status: criteria provided, single submitter. Criteria: Invitae Variant Classification Sherloc (09022015). Collection method: clinical testing. Allele origin: germline.
Comment: This sequence change replaces glutamine, which is neutral and polar, with arginine, which is basic and polar, at codon 447 of the MSN protein (p.Gln447Arg). This variant is not present in population databases (gnomAD no frequency). This variant has not been reported in the literature in individuals affected with MSN-related conditions. An algorithm developed to predict the effect of missense changes on protein structure and function (PolyPhen-2) suggests that this variant is likely to be tolerated. In summary, the available evidence is currently insufficient to determine the role of this variant in disease. Therefore, it has been classified as a Variant of Uncertain Significance.

NM_002444.3(MSN):c.1340A>G (p.Gln447Arg)

Gene: MSN (moesin; plus strand). Cytogenetic location: Xq12.
Variant type: single nucleotide variant.
Coding change: c.1340A>G on transcript NM_002444.3 (MANE Select); coding-DNA position 1340, A replaced by G.
Protein change: p.Gln447Arg; replaces glutamine 447 with arginine.
Molecular consequence: missense variant.
Genome position (GRCh38, 1-based): chrX:65,738,613, A>G. VCF-style: chrX-65738613-A-G. GRCh37 (hg19) VCF-style: chrX-64958475-A-G.
Other names: short protein forms Q447R.
Identifiers: ClinVar variation 2785924 (VCV002785924.3), dbSNP rs2523021405, ClinGen allele CA413413817.